The following is an entry in ClinVar:

ClinVar aggregate classification (germline): Conflicting classifications of pathogenicity. Review status: criteria provided, conflicting classifications (1 of 4 stars). 6 submissions from 6 submitters: Uncertain significance (3); Benign (1); Likely benign (2). Last evaluated 2025-12-11.

Conditions:
Hereditary cancer-predisposing syndrome. Also called: Tumor predisposition; Neoplastic Syndromes, Hereditary; Hereditary Cancer Syndrome; Hereditary neoplastic syndrome. Identifiers: Orphanet 140162, MedGen C0027672, MeSH D009386, MONDO:0015356.
Tuberous sclerosis 2 (TSC2). Identifiers: Orphanet 805, MedGen C1860707, MONDO:0013199, OMIM 613254.
Lymphangiomyomatosis (LAM). Also called: Lymphangioleiomyomatosis, somatic; Lymphangioleiomyomatosis. Identifiers: Orphanet 538, MedGen C0751674, MONDO:0011705, OMIM 606690.
Isolated focal cortical dysplasia type II (FCORD2). Also called: CORTICAL DYSPLASIA OF TAYLOR; Focal cortical dysplasia type II. Identifiers: Orphanet 268994, MedGen C1846385, MONDO:0011818, OMIM 607341, HP:0032051.
Tuberous sclerosis syndrome (TSC). Also called: Tuberous Sclerosis Complex; Tuberous sclerosis. Identifiers: Orphanet 805, MedGen C0041341, MONDO:0001734.

Allele frequency attached by ClinVar (database versions not stated): gnomAD 0.00001; gnomAD exomes 0.00001.
gnomAD v4.1: 11 of 1,612,764 alleles (0.00068%); highest among the groups gnomAD compares: Middle Eastern, 0.016%; no homozygotes.

Submissions (6):

Ambry Genetics
Classification: Likely benign for Hereditary cancer-predisposing syndrome. Last evaluated: 2025-12-11. Review status: criteria provided, single submitter. Criteria: Ambry Variant Classification Scheme 2023. Collection method: clinical testing. Allele origin: germline.

Labcorp Genetics (formerly Invitae), Labcorp
Classification: Benign for Tuberous sclerosis 2. Last evaluated: 2025-10-27. Review status: criteria provided, single submitter. Criteria: Invitae Variant Classification Sherloc (09022015). Collection method: clinical testing. Allele origin: germline.

All of Us Research Program, National Institutes of Health
Classification: Uncertain significance for Tuberous sclerosis syndrome. Last evaluated: 2024-08-06. Review status: criteria provided, single submitter. Criteria: ACMG Guidelines, 2015. Collection method: clinical testing. Allele origin: germline. Inheritance: Autosomal dominant inheritance. Observed: 1 variant allele, 1 heterozygote.
Comment: This study involves interpretation of variants in research participants for the purpose of population health screening. Participant phenotype was not available at the time of variant classification. Additional details can be found in publication PMID: 35346344, PMCID: PMC8962531

Fulgent Genetics
Classification: Uncertain significance for Lymphangiomyomatosis; Isolated focal cortical dysplasia type II; Tuberous sclerosis 2. Last evaluated: 2024-05-13. Review status: criteria provided, single submitter. Criteria: ACMG Guidelines, 2015. Collection method: clinical testing. Allele origin: germline.

Revvity Omics, Revvity
Classification: Uncertain significance for Tuberous sclerosis 2. Last evaluated: 2022-03-26. Review status: criteria provided, single submitter. Criteria: ACMG Guidelines, 2015. Collection method: clinical testing. Allele origin: germline.

Genome-Nilou Lab
Classification: Likely benign for Tuberous sclerosis 2. Last evaluated: 2021-11-07. Review status: criteria provided, single submitter. Criteria: ACMG Guidelines, 2015. Collection method: clinical testing. Allele origin: germline. Affected: no.

NM_000548.5(TSC2):c.5305C>T (p.His1769Tyr)

Gene: TSC2 (TSC complex subunit 2; plus strand). Cytogenetic location: 16p13.3.
Variant type: single nucleotide variant.
Coding change: c.5305C>T on transcript NM_000548.5 (MANE Select); coding-DNA position 5305, C replaced by T.
Protein change: p.His1769Tyr; replaces histidine 1769 with tyrosine.
Molecular consequence: missense variant.
Genome position (GRCh38, 1-based): chr16:2,088,491, C>T. VCF-style: chr16-2088491-C-T. GRCh37 (hg19) VCF-style: chr16-2138492-C-T.
Other names: c.5104C>T, p.His1702Tyr (NM_001077183.3); c.5236C>T, p.His1746Tyr (NM_001114382.3); c.4996C>T, p.His1666Tyr (NM_001318827.2); c.4960C>T, p.His1654Tyr (NM_001318829.2); c.4573C>T, p.His1525Tyr (NM_001318831.2); c.5137C>T, p.His1713Tyr (NM_001318832.2); c.5107C>T, p.His1703Tyr (NM_001363528.2); c.5173C>T, p.His1725Tyr (NM_001370404.1); and 2 more; short protein forms H1769Y, H1525Y, H1725Y, H1654Y, H1666Y, H1702Y, H1722Y, H1746Y.
Identifiers: ClinVar variation 486631 (VCV000486631.24), dbSNP rs1555441265, ClinGen allele CA394315380.
Genomic context (GRCh38, chr16:2,088,491, plus strand): 5'-CGCCTCTGCCTTCAGATCTGCGAGGAAGCCGCCTACTCCAACCCCAGCCTACCTCTGGTG[C>T]ACCCTCCGTCCCATAGCAAAGCCCCTGCACAGACTCCAGCCGAGCCCACACCTGGCTATG-3'
Protein context (NP_000539.2, residues 1759-1779): AYSNPSLPLV[His1769Tyr]PPSHSKAPAQ